The following is an entry in ClinVar:

ClinVar aggregate classification (germline): Likely benign. Review status: criteria provided, multiple submitters, no conflicts (2 of 4 stars). 2 submissions from 2 submitters: Likely benign (2). Last evaluated 2026-01-22.

Conditions:
RXYLT1-related disorder. Also called: RXYLT1-related condition.

Allele frequency attached by ClinVar (database versions not stated): gnomAD exomes 0.00003 and 0.00014; ExAC 0.00019; gnomAD 0.00047 and 0.00049; TOPMed 0.00050; ESP Exome Variant Server 0.00077; 1000 Genomes Project 30x 0.00094; 1000 Genomes Project 0.00100.
gnomAD v4.1: 120 of 1,614,134 alleles (0.0074%); highest among the groups gnomAD compares: African/African-American, 0.14%; 1 homozygote.

Submissions (2):

Labcorp Genetics (formerly Invitae), Labcorp
Classification: Likely benign. Last evaluated: 2026-01-22. Review status: criteria provided, single submitter. Criteria: Invitae Variant Classification Sherloc (09022015). Collection method: clinical testing. Allele origin: germline.

PreventionGenetics, part of Exact Sciences
Classification: Likely benign for RXYLT1-related condition. Last evaluated: 2025-05-09. Review status: criteria provided, single submitter. Criteria: ACMG Guidelines, 2015. Collection method: clinical testing. Allele origin: germline.
Comment: This variant is classified as likely benign based on ACMG/AMP sequence variant interpretation guidelines (Richards et al. 2015 PMID: 25741868, with internal and published modifications).

NM_014254.3(RXYLT1):c.1074A>C (p.Thr358=)

Gene: RXYLT1 (ribitol xylosyltransferase 1; plus strand). Cytogenetic location: 12q14.2.
Variant type: single nucleotide variant.
Coding change: c.1074A>C on transcript NM_014254.3 (MANE Select); coding-DNA position 1074, A replaced by C.
Protein change: p.Thr358=; no amino-acid change (threonine 358 retained).
Molecular consequence: synonymous variant.
Genome position (GRCh38, 1-based): chr12:63,808,834, A>C. VCF-style: chr12-63808834-A-C. GRCh37 (hg19) VCF-style: chr12-64202614-A-C.
Other names: c.294A>C, p.Thr98= (NM_001278237.2).
Identifiers: ClinVar variation 540607 (VCV000540607.13), dbSNP rs148356495, ClinGen allele CA6666238.